The following is an entry in ClinVar:

NM_000548.5(TSC2):c.4272C>T (p.Asp1424=)

Gene: TSC2 (TSC complex subunit 2; plus strand). Cytogenetic location: 16p13.3.
Variant type: single nucleotide variant.
Coding change: c.4272C>T on transcript NM_000548.5 (MANE Select); coding-DNA position 4272, C replaced by T.
Protein change: p.Asp1424=; no amino-acid change (aspartic acid 1424 retained).
Molecular consequence: synonymous variant.
Genome position (GRCh38, 1-based): chr16:2,084,494, C>T. VCF-style: chr16-2084494-C-T. GRCh37 (hg19) VCF-style: chr16-2134495-C-T.
Other names: p.D1424D:GAC>GAT; c.4071C>T, p.Asp1357= (NM_001077183.3); c.4203C>T, p.Asp1401= (NM_001114382.3); c.3963C>T, p.Asp1321= (NM_001318827.2); c.3927C>T, p.Asp1309= (NM_001318829.2); c.3540C>T, p.Asp1180= (NM_001318831.2); c.4104C>T, p.Asp1368= (NM_001318832.2); c.4074C>T, p.Asp1358= (NM_001363528.2); and 3 more.
Identifiers: ClinVar variation 137747 (VCV000137747.63), dbSNP rs371541319, ClinGen allele CA020165.
Genomic context (GRCh38, chr16:2,084,494, plus strand): 5'-GGCCGACGTGGGCCGGCTGAGCCCTGAGGTTAAGGCCCGGTCACAGTCAGGGACCCTGGA[C>T]GGGGAAAGTGCTGCCTGGTCGGCCTCGGGCGAAGACAGTCGGGGCCAGCCCGAGGGTCCC-3'
Protein context (NP_000539.2, residues 1414-1434): VKARSQSGTL[Asp1424=]GESAAWSASG

ClinVar aggregate classification (germline): Benign/Likely benign. Review status: criteria provided, multiple submitters, no conflicts (2 of 4 stars). 12 submissions from 12 submitters: Benign (6); Likely benign (5). 1 of the submissions does not count toward it. Last evaluated 2026-04-13.

Conditions:
TSC2-related disorder. Also called: TSC2-related condition; TSC2-Related Disorders.
Hereditary cancer-predisposing syndrome. Also called: Tumor predisposition; Hereditary neoplastic syndrome; Hereditary Cancer Syndrome; Neoplastic Syndromes, Hereditary. Identifiers: Orphanet 140162, MedGen C0027672, MeSH D009386, MONDO:0015356.
Tuberous sclerosis syndrome (TSC). Also called: Tuberous Sclerosis Complex; Tuberous sclerosis. Identifiers: Orphanet 805, MedGen C0041341, MONDO:0001734.
Tuberous sclerosis 2 (TSC2). Identifiers: Orphanet 805, MedGen C1860707, MONDO:0013199, OMIM 613254.

Allele frequency attached by ClinVar (database versions not stated): ExAC 0.00008; gnomAD exomes 0.00011 and 0.00016; TOPMed 0.00019; ESP Exome Variant Server 0.00023; gnomAD 0.00032.
gnomAD v4.1: 259 of 1,609,072 alleles (0.016%); highest among the groups gnomAD compares: Middle Eastern, 0.083%; no homozygotes.

Submissions (12):

Women's Health and Genetics/Laboratory Corporation of America, LabCorp
Classification: Benign. Last evaluated: 2026-04-13. Review status: criteria provided, single submitter. Criteria: LabCorp Variant Classification Summary - May 2015. Collection method: clinical testing. Allele origin: germline.

Labcorp Genetics (formerly Invitae), Labcorp
Classification: Benign for Tuberous sclerosis 2. Last evaluated: 2026-01-24. Review status: criteria provided, single submitter. Criteria: Invitae Variant Classification Sherloc (09022015). Collection method: clinical testing. Allele origin: germline.

Myriad Genetics, Inc.
Classification: Benign for Tuberous sclerosis 2. Last evaluated: 2025-06-03. Review status: criteria provided, single submitter. Criteria: Myriad Autosomal Dominant, Autosomal Recessive and X-Linked Classification Criteria (2023). Collection method: clinical testing. Allele origin: unknown.
Comment: This variant is considered benign. This variant is a silent/synonymous amino acid change and it is not expected to impact splicing.

CeGaT Center for Human Genetics Tuebingen
Classification: Likely benign. Last evaluated: 2024-12-01. Review status: criteria provided, single submitter. Criteria: CeGaT Center For Human Genetics Tuebingen Variant Classification Criteria Version 2. Collection method: clinical testing. Allele origin: germline. Affected: yes. Observed: 5 variant alleles.
Comment: TSC2: BP4, BP7

Blueprint Genetics
Classification: Likely benign. Last evaluated: 2024-09-23. Review status: criteria provided, single submitter. Criteria: ACMG Guidelines, 2015. Collection method: clinical testing. Allele origin: germline.

All of Us Research Program, National Institutes of Health
Classification: Likely benign for Tuberous sclerosis syndrome. Last evaluated: 2024-01-11. Review status: criteria provided, single submitter. Criteria: ACMG Guidelines, 2015. Collection method: clinical testing. Allele origin: germline. Inheritance: Autosomal dominant inheritance. Observed: 37 variant alleles, 37 heterozygotes.
Comment: This study involves interpretation of variants in research participants for the purpose of population health screening. Participant phenotype was not available at the time of variant classification. Additional details can be found in publication PMID: 35346344, PMCID: PMC8962531

Genome-Nilou Lab
Classification: Benign for Tuberous sclerosis 2. Last evaluated: 2021-11-07. Review status: criteria provided, single submitter. Criteria: ACMG Guidelines, 2015. Collection method: clinical testing. Allele origin: germline. Affected: no.

Sema4
Classification: Benign for Hereditary cancer-predisposing syndrome. Last evaluated: 2021-02-01. Review status: criteria provided, single submitter. Criteria: Sema4 Curation Guidelines. Collection method: curation. Allele origin: germline.

Color Diagnostics, LLC DBA Color Health
Classification: Likely benign for Tuberous sclerosis syndrome. Last evaluated: 2019-03-29. Review status: criteria provided, single submitter. Criteria: ACMG Guidelines, 2015. Collection method: clinical testing. Allele origin: germline.

Ambry Genetics
Classification: Likely benign for Hereditary cancer-predisposing syndrome. Last evaluated: 2014-10-21. Review status: criteria provided, single submitter. Criteria: Ambry Variant Classification Scheme 2023. Collection method: clinical testing. Allele origin: germline.

GeneDx
Classification: Benign. Last evaluated: 2014-02-10. Review status: criteria provided, single submitter. Criteria: GeneDx Variant Classification (06012015). Collection method: clinical testing. Allele origin: germline. Affected: yes.
Comment: This variant is considered likely benign or benign based on one or more of the following criteria: it is a conservative change, it occurs at a poorly conserved position in the protein, it is predicted to be benign by multiple in silico algorithms, and/or has population frequency not consistent with disease.

PreventionGenetics, part of Exact Sciences
Classification: Likely benign for TSC2-related condition. Last evaluated: 2019-03-21. Review status: no assertion criteria provided. Collection method: clinical testing. Allele origin: germline. Not counted in ClinVar's aggregate classification.
Comment: This variant is classified as likely benign based on ACMG/AMP sequence variant interpretation guidelines (Richards et al. 2015 PMID: 25741868, with internal and published modifications).